The following is an entry in ClinVar:

ClinVar aggregate classification (germline): Likely benign. Review status: criteria provided, multiple submitters, no conflicts (2 of 4 stars). 2 submissions from 2 submitters: Likely benign (2). Last evaluated 2024-11-27.

Conditions:
Malignant hyperthermia, susceptibility to, 1 (MHS1). Also called: Anesthesia related hyperthermia; Malignant hyperpyrexia; Fulminating hyperpyrexia; Pharmacogenic myopathy; Malignant hyperthermia suceptibility 1; RYR1-Related Malignant Hyperthermia Susceptibility. Identifiers: Orphanet 423, MedGen C2930980, MONDO:0007783, OMIM 145600.
RYR1-related disorder. Also called: RYR1-related condition; RYR1-related disorders. Identifiers: MedGen CN239331.

gnomAD v4.1: 2 of 1,613,980 alleles (0.00012%); highest among the groups gnomAD compares: Non-Finnish European, 0.00017%; no homozygotes.

Submissions (2):

Labcorp Genetics (formerly Invitae), Labcorp
Classification: Likely benign for RYR1-related disorder. Last evaluated: 2024-11-27. Review status: criteria provided, single submitter. Criteria: Invitae Variant Classification Sherloc (09022015). Collection method: clinical testing. Allele origin: germline.

All of Us Research Program, National Institutes of Health
Classification: Likely benign for Malignant hyperthermia, susceptibility to, 1. Last evaluated: 2024-04-16. Review status: criteria provided, single submitter. Criteria: ACMG Guidelines, 2015. Collection method: clinical testing. Allele origin: germline. Inheritance: Autosomal dominant inheritance. Observed: 1 variant allele, 1 heterozygote.
Comment: This study involves interpretation of variants in research participants for the purpose of population health screening. Participant phenotype was not available at the time of variant classification. Additional details can be found in publication PMID: 35346344, PMCID: PMC8962531

NM_000540.3(RYR1):c.8401-8C>G

Genes: RYR1 (ryanodine receptor 1; plus strand), LOC126862902 (BRD4-independent group 4 enhancer GRCh37_chr19:38995830-38997029; plus strand). Cytogenetic location: 19q13.2.
Variant type: single nucleotide variant.
Coding change: c.8401-8C>G on transcript NM_000540.3 (MANE Select); 8 bases into the intron before coding-DNA position 8401, C replaced by G.
Molecular consequence: intron variant.
Genome position (GRCh38, 1-based): chr19:38,505,798, C>G. VCF-style: chr19-38505798-C-G. GRCh37 (hg19) VCF-style: chr19-38996438-C-G.
Other names: c.8401-8C>G (NM_001042723.2).
Identifiers: ClinVar variation 2721431 (VCV002721431.4), dbSNP rs746571631, ClinGen allele CA308117422.